The following is an entry in ClinVar:

NM_001378615.1(CC2D2A):c.2917C>T (p.Gln973Ter)

Genes: CC2D2A (coiled-coil and C2 domain containing 2A; plus strand), FBXL5 (F-box and leucine rich repeat protein 5; minus strand). Cytogenetic location: 4p15.32.
Variant type: single nucleotide variant.
Coding change: c.2917C>T on transcript NM_001378615.1 (MANE Select); coding-DNA position 2917, C replaced by T.
Protein change: p.Gln973Ter; replaces glutamine 973 with a stop codon.
Molecular consequence: nonsense.
Genome position (GRCh38, 1-based): chr4:15,559,252, C>T. VCF-style: chr4-15559252-C-T. GRCh37 (hg19) VCF-style: chr4-15560875-C-T.
Other names: c.2917C>T, p.Gln973Ter (NM_001080522.2); c.2770C>T, p.Gln924Ter (NM_001378617.1); short protein forms Q924*, Q973*.
Identifiers: ClinVar variation 5015574 (VCV005015574.1).

ClinVar aggregate classification (germline): Pathogenic (1 of 4 stars; one submission).

Conditions:
Joubert syndrome and related disorders. Identifiers: Orphanet 140874, MedGen C5679612, MONDO:0015369.

gnomAD v4.1: 1 of 1,545,452 alleles (0.000065%); highest among the groups gnomAD compares: Non-Finnish European, 0.000088%; no homozygotes.

Submission:

Myriad Genetics, Inc.
Classification: Pathogenic for Joubert syndrome and related disorders. Last evaluated: 2026-02-18. Review status: criteria provided, single submitter. Criteria: Myriad Autosomal Dominant, Autosomal Recessive and X-Linked Classification Criteria (2023). Collection method: clinical testing. Allele origin: unknown.
Comment: NM_001080522.2(CC2D2A):c.2917C>T(Q973*) is expected to be pathogenic in the context of CC2D2A-related disorders. This variant is predicted to lead to an abnormal or absent protein product due to the creation of a premature termination codon in CC2D2A, a gene where loss-of-function variants are known to be pathogenic. Please note: this variant was assessed in the context of healthy population screening.